The following is an entry in ClinVar:

NM_001401501.2(MUC16):c.37884C>T (p.Ser12628=)

Gene: MUC16 (mucin 16, cell surface associated; minus strand). Cytogenetic location: 19p13.2.
Variant type: single nucleotide variant.
Coding change: c.37884C>T on transcript NM_001401501.2 (MANE Select); coding-DNA position 37884, C replaced by T.
Protein change: p.Ser12628=; no amino-acid change (serine 12628 retained).
Molecular consequence: synonymous variant.
Genome position (GRCh38, 1-based): chr19:8,907,800, G>A on the plus strand (C>T on the coding strand, the complement: MUC16 is on the minus strand). VCF-style: chr19-8907800-G-A. GRCh37 (hg19) VCF-style: chr19-9018476-G-A.
Other names: c.38310C>T, p.Ser12770= (NM_001414686.1); c.37764C>T, p.Ser12588= (NM_001414687.1); c.37698C>T, p.Ser12566= (NM_024690.2).
Identifiers: ClinVar variation 3050532 (VCV003050532.2), dbSNP rs112059772, ClinGen allele CA9164986.
Genomic context (GRCh38, chr19:8,907,800, plus strand): 5'-TGAGGAGGGAAGGGCACTAACCAGAGTCTGCAGGACCCTCTCAGTGGTGTTGAACTTCCT[G>A]GAGCCAGGGCGATGCATGTCCTCCTCATACTTCAGGTTGGTGATGGTGAAGTTGAGGGTG-3'
Protein context (NP_001388430.1, residues 12618-12638): KYEEDMHRPG[Ser12628=]RKFNTTERVL

ClinVar aggregate classification (germline): Likely benign (0 of 4 stars; one submission).

Conditions:
MUC16-related disorder. Also called: MUC16-related condition.

Allele frequency attached by ClinVar (database versions not stated): gnomAD exomes 0.00924; ExAC 0.02035.

Submission:

PreventionGenetics, part of Exact Sciences
Classification: Likely benign for MUC16-related condition. Last evaluated: 2019-12-19. Review status: no assertion criteria provided. Collection method: clinical testing. Allele origin: germline.
Comment: This variant is classified as likely benign based on ACMG/AMP sequence variant interpretation guidelines (Richards et al. 2015 PMID: 25741868, with internal and published modifications).